The following is an entry in ClinVar:

ClinVar aggregate classification (germline): Uncertain significance (1 of 4 stars; one submission).

Conditions:
Inclusion body myopathy with early-onset Paget disease with or without frontotemporal dementia 2 (IBMPFD2). Also called: MULTISYSTEM PROTEINOPATHY 2. Identifiers: MedGen C3809468, MONDO:0014178, OMIM 615422.

Submission:

Labcorp Genetics (formerly Invitae), Labcorp
Classification: Uncertain significance for Inclusion body myopathy with early-onset Paget disease with or without frontotemporal dementia 2. Last evaluated: 2025-01-27. Review status: criteria provided, single submitter. Criteria: Invitae Variant Classification Sherloc (09022015). Collection method: clinical testing. Allele origin: germline.
Comment: This sequence change replaces glycine, which is neutral and non-polar, with alanine, which is neutral and non-polar, at codon 208 of the HNRNPA2B1 protein (p.Gly208Ala). This variant is not present in population databases (gnomAD no frequency). This variant has not been reported in the literature in individuals affected with HNRNPA2B1-related conditions. Invitae Evidence Modeling of protein sequence and biophysical properties (such as structural, functional, and spatial information, amino acid conservation, physicochemical variation, residue mobility, and thermodynamic stability) indicates that this missense variant is not expected to disrupt HNRNPA2B1 protein function with a negative predictive value of 80%. In summary, the available evidence is currently insufficient to determine the role of this variant in disease. Therefore, it has been classified as a Variant of Uncertain Significance.

NM_002137.4(HNRNPA2B1):c.587G>C (p.Gly196Ala)

Gene: HNRNPA2B1 (heterogeneous nuclear ribonucleoprotein A2/B1; minus strand). Cytogenetic location: 7p15.2.
Variant type: single nucleotide variant.
Coding change: c.587G>C on transcript NM_002137.4 (MANE Select); coding-DNA position 587, G replaced by C.
Protein change: p.Gly196Ala; replaces glycine 196 with alanine.
Molecular consequence: missense variant.
Genome position (GRCh38, 1-based): chr7:26,196,472, C>G on the plus strand (G>C on the coding strand, the complement: HNRNPA2B1 is on the minus strand). VCF-style: chr7-26196472-C-G. GRCh37 (hg19) VCF-style: chr7-26236092-C-G.
Other names: c.587G>C, p.Gly196Ala (NM_001438063.1, NM_001438571.1, NM_001438572.1 and 4 more transcripts); c.623G>C, p.Gly208Ala (NM_001438568.1, NM_001438569.1, NM_001438570.1 and 3 more transcripts); short protein forms G196A, G208A.
Identifiers: ClinVar variation 4744272 (VCV004744272.1).